The following is an entry in ClinVar:

NM_004369.4(COL6A3):c.3589G>A (p.Val1197Ile)

Gene: COL6A3 (collagen type VI alpha 3 chain; minus strand). Cytogenetic location: 2q37.3.
Variant type: single nucleotide variant.
Coding change: c.3589G>A on transcript NM_004369.4 (MANE Select); coding-DNA position 3589, G replaced by A.
Protein change: p.Val1197Ile; replaces valine 1197 with isoleucine.
Molecular consequence: missense variant.
Genome position (GRCh38, 1-based): chr2:237,374,502, C>T on the plus strand (G>A on the coding strand, the complement: COL6A3 is on the minus strand). VCF-style: chr2-237374502-C-T. GRCh37 (hg19) VCF-style: chr2-238283145-C-T.
Other names: c.2368G>A, p.Val790Ile (NM_057164.5); c.2971G>A, p.Val991Ile (NM_057165.5, NM_057167.4); c.1768G>A, p.Val590Ile (NM_057166.5); short protein forms V1197I, V590I, V790I, V991I.
Identifiers: ClinVar variation 198791 (VCV000198791.13), dbSNP rs748053172, ClinGen allele CA247620.

ClinVar aggregate classification (germline): Conflicting classifications of pathogenicity. Review status: criteria provided, conflicting classifications (1 of 4 stars). 4 submissions from 4 submitters: Uncertain significance (3); Likely benign (1). Last evaluated 2025-08-12.

Conditions:
Bethlem myopathy 1A. Also called: MYOPATHY, BENIGN CONGENITAL, WITH CONTRACTURES; Bethlem myopathy 1; Bethlem Muscular Dystrophy. Identifiers: Orphanet 610, MedGen CN029274, MONDO:0024530, OMIM 158810.

Allele frequency attached by ClinVar (database versions not stated): TOPMed 0.00004.
gnomAD v4.1: 25 of 1,614,024 alleles (0.0015%); highest among the groups gnomAD compares: Admixed American, 0.017%; no homozygotes.

Submissions (4):

Labcorp Genetics (formerly Invitae), Labcorp
Classification: Likely benign for Bethlem myopathy 1A. Last evaluated: 2025-08-12. Review status: criteria provided, single submitter. Criteria: Invitae Variant Classification Sherloc (09022015). Collection method: clinical testing. Allele origin: germline.

Women's Health and Genetics/Laboratory Corporation of America, LabCorp
Classification: Uncertain significance. Last evaluated: 2023-10-17. Review status: criteria provided, single submitter. Criteria: LabCorp Variant Classification Summary - May 2015. Collection method: clinical testing. Allele origin: germline.
Comment: Variant summary: COL6A3 c.3589G>A (p.Val1197Ile) results in a conservative amino acid change located in the von Willebrand factor, type A domain (IPR002035) of the encoded protein sequence. Five of five in-silico tools predict a benign effect of the variant on protein function. The variant allele was found at a frequency of 2.4e-05 in 251284 control chromosomes. The available data on variant occurrences in the general population are insufficient to allow any conclusion about variant significance. To our knowledge, no occurrence of c.3589G>A in individuals affected with autosomal dominant or recessive Ullrich Congenital Muscular Dystrophy 1/Collagen 6-Related Myopathy and no experimental evidence demonstrating its impact on protein function have been reported. Two submitters have cited clinical-significance assessments for this variant to ClinVar after 2014. One submitter classified the variant as likely benign and one submitter classified the variant as uncertain significance. Based on the evidence outlined above, the variant was classified as uncertain significance.

Revvity Omics, Revvity
Classification: Uncertain significance. Last evaluated: 2023-04-12. Review status: criteria provided, single submitter. Criteria: ACMG Guidelines, 2015. Collection method: clinical testing. Allele origin: germline.

Eurofins Ntd Llc (ga)
Classification: Uncertain significance. Last evaluated: 2015-03-11. Review status: criteria provided, single submitter. Criteria: EGL Classification Definitions 2015. Collection method: clinical testing. Allele origin: germline. Observed: 1 variant allele, 1 heterozygote.